The following is an entry in ClinVar:

NM_001048174.2(MUTYH):c.13_14delinsTT (p.Arg5Leu)

Gene: MUTYH (mutY DNA glycosylase; minus strand). Cytogenetic location: 1p34.1.
Variant type: Indel.
Coding change: c.13_14delinsTT on transcript NM_001048174.2 (MANE Select); coding-DNA positions 13 to 14, CG replaced by TT.
Protein change: p.Arg5Leu; replaces arginine 5 with leucine.
Molecular consequence: missense variant. On other transcripts: 5 prime UTR variant (7), non-coding transcript variant (7).
Genome position (GRCh38, 1-based): chr1:45,334,492-45,334,493, CG replaced by AA on the plus strand (CG replaced by TT on the coding strand, the reverse complement: MUTYH is on the minus strand). VCF-style: chr1-45334492-CG-AA. GRCh37 (hg19) VCF-style: chr1-45800164-CG-AA.
Other names: c.13_14delinsTT, p.Arg5Leu (NM_001048171.2, NM_001407070.1, NM_001407071.1 and 15 more transcripts); c.-259_-258delinsTT (NM_001350650.2); c.-195_-194delinsTT (NM_001350651.2, NM_001407082.1); c.55_56delinsTT, p.Arg19Leu (NM_001407069.1, NM_001407073.1, NM_012222.3 and 2 more transcripts); c.-144_-143delinsTT (NM_001407075.1); c.31_32delinsTT, p.Arg11Leu (NM_001407087.1); c.-200_-199delinsTT (NM_001407091.1, NM_001293192.2, NM_001293196.2); short protein forms R11L, R19L, R5L.
Identifiers: ClinVar variation 3572202 (VCV003572202.2).

ClinVar aggregate classification (germline): Uncertain significance. Review status: criteria provided, multiple submitters, no conflicts (2 of 4 stars). 2 submissions from 2 submitters: Uncertain significance (2). Last evaluated 2026-07-16.

Conditions:
Hereditary cancer-predisposing syndrome. Also called: Tumor predisposition; Hereditary Cancer Syndrome; Neoplastic Syndromes, Hereditary; Hereditary neoplastic syndrome. Identifiers: Orphanet 140162, MedGen C0027672, MeSH D009386, MONDO:0015356.

Submissions (2):

Ambry Genetics
Classification: Uncertain significance for Hereditary cancer-predisposing syndrome. Last evaluated: 2026-07-16. Review status: criteria provided, single submitter. Criteria: Ambry Variant Classification Scheme 2023. Collection method: clinical testing. Allele origin: germline.
Comment: The c.55_56delCGinsTT variant (also known as p.R19L), located in coding exon 2 of the MUTYH gene, results from an in-frame deletion of CG and insertion of TT at nucleotide positions 55 to 56. This results in the substitution of the arginine residue for a leucine residue at codon 19, an amino acid with dissimilar properties. This amino acid position is well conserved in available vertebrate species. In addition, this variant is predicted to be tolerated by in silico analysis. Based on the available evidence, the clinical significance of this variant remains unclear.

Quest Diagnostics Nichols Institute San Juan Capistrano
Classification: Uncertain significance. Last evaluated: 2024-06-11. Review status: criteria provided, single submitter. Criteria: Quest Diagnostics criteria. Collection method: clinical testing. Allele origin: unknown.
Comment: The MUTYH c.55_56delinsTT (p.Arg19Leu) variant has not been reported in individuals with MUTYH-related conditions in the published literature. It also has not been reported in large, multi-ethnic general populations (Genome Aggregation Database). Analysis of this variant using bioinformatics tools for the prediction of the effect of amino acid changes on protein structure and function yielded conflicting predictions that this variant is benign or damaging. Based on the available information, we are unable to determine the clinical significance of this variant.